The following is an entry in ClinVar:

NM_017635.5(KMT5B):c.1166dup (p.Asn389fs)

Gene: KMT5B (lysine methyltransferase 5B; minus strand). Cytogenetic location: 11q13.2.
Variant type: Duplication.
Coding change: c.1166dup on transcript NM_017635.5 (MANE Select); coding-DNA position 1166, one base duplicated (A; older notation c.1166dupA).
Protein change: p.Asn389fs; shifts the reading frame from asparagine 389.
Molecular consequence: frameshift variant. On other transcripts: non-coding transcript variant (3).
Genome position (GRCh38, 1-based): chr11:68,166,990, T duplicated on the plus strand (A on the coding strand, the reverse complement: KMT5B is on the minus strand); the first of 7 consecutive T bases (chr11:68,166,990-68,166,996); duplicating any one gives the same sequence. VCF-style (leftmost placement, unchanged base first): chr11-68166989-G-GT. GRCh37 (hg19) VCF-style: chr11-67934456-G-GT.
Other names: c.650dup, p.Asn217fs (NM_001300907.1, NM_001369424.1, NM_001369428.1 and 5 more transcripts); c.446dup, p.Asn149fs (NM_001300908.2); c.1097dup, p.Asn366fs (NM_001300909.2); c.1166dup, p.Asn389fs (NM_001363566.2, NM_001369426.1, NM_001369427.1 and 1 more transcripts); c.953dup, p.Asn318fs (NM_001369425.1); short protein forms N149fs, N217fs, N318fs, N366fs, N389fs.
Identifiers: ClinVar variation 1678827 (VCV001678827.3), dbSNP rs1434065199, ClinGen allele CA600238852.
Genomic context (GRCh38, chr11:68,166,989, plus strand): 5'-AATTGTGTGAAAATACTTTTAAAAGATATGCTTATCAAATCTCCCTTACTTACTTGCATT[G>GT]TTTTTTTCCTGAGTGGTATCTGCATCAGTGTTAGAGCTGACAGATTGACTGTCTGAATTT-3'

ClinVar aggregate classification (germline): Pathogenic (1 of 4 stars; one submission).

Submission:

GeneDx
Classification: Pathogenic. Last evaluated: 2024-12-18. Review status: criteria provided, single submitter. Criteria: GeneDx Variant Classification Process June 2021. Collection method: clinical testing. Allele origin: germline. Affected: yes.
Comment: Frameshift variant predicted to result in abnormal protein length as the last 497 amino acids are replaced with 5 different amino acids, and other similar variants have been reported in HGMD; This variant is associated with the following publications: (PMID: 28191889, 36897941)